The following is an entry in ClinVar:

ClinVar aggregate classification (germline): Uncertain significance (1 of 4 stars; one submission).

Conditions:
Wilson disease (WND). Also called: Wilson's disease. Identifiers: Orphanet 905, MedGen C0019202, MONDO:0010200, OMIM 277900. Disease mechanism: loss of function.

Submission:

Labcorp Genetics (formerly Invitae), Labcorp
Classification: Uncertain significance for Wilson disease. Last evaluated: 2017-09-17. Review status: criteria provided, single submitter. Criteria: Invitae Variant Classification Sherloc (09022015). Collection method: clinical testing. Allele origin: germline.
Comment: This variant is not present in population databases (ExAC no frequency). This variant has been reported as homozygous in an individual affected with Wilson disease (PMID: 10502777). Algorithms developed to predict the effect of missense changes on protein structure and function (SIFT, PolyPhen-2, Align-GVGD) all suggest that this variant is likely to be disruptive, but these predictions have not been confirmed by published functional studies and their clinical significance is uncertain. In summary, the available evidence is currently insufficient to determine the role of this variant in disease. Therefore, it has been classified as a Variant of Uncertain Significance. This sequence change replaces threonine with alanine at codon 1033 of the ATP7B protein (p.Thr1033Ala). The threonine residue is highly conserved and there is a small physicochemical difference between threonine and alanine.

Literature cited by the submitters: PubMed 10502777.

NM_000053.4(ATP7B):c.3097A>G (p.Thr1033Ala)

Gene: ATP7B (ATPase copper transporting beta; minus strand). Cytogenetic location: 13q14.3.
Variant type: single nucleotide variant.
Coding change: c.3097A>G on transcript NM_000053.4 (MANE Select); coding-DNA position 3097, A replaced by G.
Protein change: p.Thr1033Ala; replaces threonine 1033 with alanine.
Molecular consequence: missense variant.
Genome position (GRCh38, 1-based): chr13:51,944,255, T>C on the plus strand (A>G on the coding strand, the complement: ATP7B is on the minus strand). VCF-style: chr13-51944255-T-C. GRCh37 (hg19) VCF-style: chr13-52518391-T-C.
Other names: c.2476A>G, p.Thr826Ala (NM_001005918.3); c.2764A>G, p.Thr922Ala (NM_001243182.2); c.2863A>G, p.Thr955Ala (NM_001330578.2); c.2845A>G, p.Thr949Ala (NM_001330579.2); short protein forms T1033A, T922A, T949A, T826A, T955A.
Identifiers: ClinVar variation 526658 (VCV000526658.8), dbSNP rs1555286620, ClinGen allele CA388030499.